The following is an entry in ClinVar:

ClinVar aggregate classification (germline): Likely benign (0 of 4 stars; one submission).

Conditions:
CDC5L-related disorder. Also called: CDC5L-related condition.

Allele frequency attached by ClinVar (database versions not stated): gnomAD exomes 0.00006; 1000 Genomes Project 30x 0.00016; 1000 Genomes Project 0.00020; ExAC 0.00024; ESP Exome Variant Server 0.00046; gnomAD 0.00057; TOPMed 0.00060.
gnomAD v4.1: 166 of 1,603,234 alleles (0.01%); highest among the groups gnomAD compares: African/African-American, 0.21%; 2 homozygotes.

Submission:

PreventionGenetics, part of Exact Sciences
Classification: Likely benign for CDC5L-related condition. Last evaluated: 2019-05-03. Review status: no assertion criteria provided. Collection method: clinical testing. Allele origin: germline.
Comment: This variant is classified as likely benign based on ACMG/AMP sequence variant interpretation guidelines (Richards et al. 2015 PMID: 25741868, with internal and published modifications).

NM_001253.4(CDC5L):c.904-10G>A

Gene: CDC5L (cell division cycle 5 like; plus strand). Cytogenetic location: 6p21.1.
Variant type: single nucleotide variant.
Coding change: c.904-10G>A on transcript NM_001253.4 (MANE Select); 10 bases into the intron before coding-DNA position 904, G replaced by A.
Molecular consequence: intron variant.
Genome position (GRCh38, 1-based): chr6:44,408,434, G>A. VCF-style: chr6-44408434-G-A. GRCh37 (hg19) VCF-style: chr6-44376171-G-A.
Identifiers: ClinVar variation 3037280 (VCV003037280.2), dbSNP rs377117589, ClinGen allele CA3835327.